The following is an entry in ClinVar:

NM_017654.4(SAMD9):c.433G>A (p.Asp145Asn)

Gene: SAMD9 (sterile alpha motif domain containing 9; minus strand). Cytogenetic location: 7q21.2.
Variant type: single nucleotide variant.
Coding change: c.433G>A on transcript NM_017654.4 (MANE Select); coding-DNA position 433, G replaced by A.
Protein change: p.Asp145Asn; replaces aspartic acid 145 with asparagine.
Molecular consequence: missense variant.
Genome position (GRCh38, 1-based): chr7:93,105,665, C>T on the plus strand (G>A on the coding strand, the complement: SAMD9 is on the minus strand). VCF-style: chr7-93105665-C-T. GRCh37 (hg19) VCF-style: chr7-92734978-C-T.
Other names: c.433G>A, p.Asp145Asn (NM_001193307.2); short protein forms D145N.
Identifiers: ClinVar variation 4629865 (VCV004629865.1).

ClinVar aggregate classification (germline): Uncertain significance (1 of 4 stars; one submission).

Conditions:
Inborn genetic diseases. Identifiers: MedGen C0950123, MeSH D030342.

Submission:

Ambry Genetics
Classification: Uncertain significance for Inborn genetic diseases. Last evaluated: 2025-10-10. Review status: criteria provided, single submitter. Criteria: Ambry Variant Classification Scheme 2023. Collection method: clinical testing. Allele origin: germline.
Comment: The p.D145N variant (also known as c.433G>A), located in coding exon 1 of the SAMD9 gene, results from a G to A substitution at nucleotide position 433. The aspartic acid at codon 145 is replaced by asparagine, an amino acid with highly similar properties. This amino acid position is conserved. In addition, this alteration is predicted to be tolerated by in silico analysis. Based on the available evidence, the clinical significance of this variant remains unclear.